The following is an entry in ClinVar:

ClinVar aggregate classification (germline): Uncertain significance (1 of 4 stars; one submission).

Submission:

Ambry Genetics
Classification: Uncertain significance. Last evaluated: 2023-06-17. Review status: criteria provided, single submitter. Criteria: Ambry Variant Classification Scheme 2023. Collection method: clinical testing. Allele origin: germline.
Comment: The p.H437R variant (also known as c.1310A>G), located in coding exon 13 of the PRKDC gene, results from an A to G substitution at nucleotide position 1310. The histidine at codon 437 is replaced by arginine, an amino acid with highly similar properties. This amino acid position is conserved. In addition, this alteration is predicted to be tolerated by in silico analysis. Since supporting evidence is limited at this time, the clinical significance of this alteration remains unclear.

NM_006904.7(PRKDC):c.1310A>G (p.His437Arg)

Gene: PRKDC (protein kinase, DNA-activated, catalytic subunit; minus strand). Cytogenetic location: 8q11.21.
Variant type: single nucleotide variant.
Coding change: c.1310A>G on transcript NM_006904.7 (MANE Select); coding-DNA position 1310, A replaced by G.
Protein change: p.His437Arg; replaces histidine 437 with arginine.
Molecular consequence: missense variant.
Genome position (GRCh38, 1-based): chr8:47,935,869, T>C on the plus strand (A>G on the coding strand, the complement: PRKDC is on the minus strand). VCF-style: chr8-47935869-T-C. GRCh37 (hg19) VCF-style: chr8-48848429-T-C.
Other names: c.1310A>G, p.His437Arg (NM_001081640.2); short protein forms H437R.
Identifiers: ClinVar variation 2624582 (VCV002624582.2), dbSNP rs2551879565, ClinGen allele CA371165956.
Genomic context (GRCh38, chr8:47,935,869, plus strand): 5'-CACACCAGCTGCATTTTTGGACTGTACTGTGGGAAACTGTCTATCTGCATCACCACGAGG[T>C]GCTCCAGAACTGGAGTATACACCTCAGGAACCTACCGGAAATAATCAGCAAACCGTGAGT-3'
Protein context (NP_008835.5, residues 427-447): VPEVYTPVLE[His437Arg]LVVMQIDSFP